The following is an entry in ClinVar:

NM_001164665.2(KIAA1549):c.2471T>C (p.Val824Ala)

Gene: KIAA1549 (KIAA1549; minus strand). Cytogenetic location: 7q34.
Variant type: single nucleotide variant.
Coding change: c.2471T>C on transcript NM_001164665.2 (MANE Select); coding-DNA position 2471, T replaced by C.
Protein change: p.Val824Ala; replaces valine 824 with alanine.
Molecular consequence: missense variant.
Genome position (GRCh38, 1-based): chr7:138,917,155, A>G on the plus strand (T>C on the coding strand, the complement: KIAA1549 is on the minus strand). VCF-style: chr7-138917155-A-G. GRCh37 (hg19) VCF-style: chr7-138601901-A-G.
Other names: c.2471T>C, p.Val824Ala (NM_020910.3); short protein forms V824A.
Identifiers: ClinVar variation 2871154 (VCV002871154.4), dbSNP rs750713293, ClinGen allele CA4506503.

ClinVar aggregate classification (germline): Uncertain significance. Review status: criteria provided, multiple submitters, no conflicts (2 of 4 stars). 2 submissions from 2 submitters: Uncertain significance (2). Last evaluated 2025-07-31.

Allele frequency attached by ClinVar (database versions not stated): gnomAD 0.00002; TOPMed 0.00002.
gnomAD v4.1: 4 of 1,613,780 alleles (0.00025%); highest among the groups gnomAD compares: African/African-American, 0.004%; no homozygotes.

Submissions (2):

Labcorp Genetics (formerly Invitae), Labcorp
Classification: Uncertain significance. Last evaluated: 2025-07-31. Review status: criteria provided, single submitter. Criteria: Invitae Variant Classification Sherloc (09022015). Collection method: clinical testing. Allele origin: germline.
Comment: This sequence change replaces valine, which is neutral and non-polar, with alanine, which is neutral and non-polar, at codon 824 of the KIAA1549 protein (p.Val824Ala). This variant is present in population databases (rs750713293, gnomAD 0.007%). This variant has not been reported in the literature in individuals affected with KIAA1549-related conditions. ClinVar contains an entry for this variant (Variation ID: 2871154). An algorithm developed to predict the effect of missense changes on protein structure and function outputs the following: PolyPhen-2: "Benign". The alanine amino acid residue is found in multiple mammalian species, which suggests that this missense change does not adversely affect protein function. In summary, the available evidence is currently insufficient to determine the role of this variant in disease. Therefore, it has been classified as a Variant of Uncertain Significance.

Blueprint Genetics
Classification: Uncertain significance. Last evaluated: 2022-04-25. Review status: criteria provided, single submitter. Criteria: ACMG Guidelines, 2015. Collection method: clinical testing. Allele origin: germline.